The following is an entry in ClinVar:

NM_000133.4(F9):c.1265C>A (p.Thr422Asn)

Gene: F9 (coagulation factor IX; plus strand). Cytogenetic location: Xq27.1.
Variant type: single nucleotide variant.
Coding change: c.1265C>A on transcript NM_000133.4 (MANE Select); coding-DNA position 1265, C replaced by A.
Protein change: p.Thr422Asn; replaces threonine 422 with asparagine.
Molecular consequence: missense variant.
Genome position (GRCh38, 1-based): chrX:139,561,950, C>A. VCF-style: chrX-139561950-C-A. GRCh37 (hg19) VCF-style: chrX-138644109-C-A.
Other names: c.1151C>A, p.Thr384Asn (NM_001313913.2); short protein forms T384N, T422N.
Identifiers: ClinVar variation 4819955 (VCV004819955.1).

ClinVar aggregate classification (germline): Uncertain significance (1 of 4 stars; one submission).

Conditions:
Hereditary factor IX deficiency disease (HEMB). Also called: Hemophilia B; Christmas Disease; F9 DEFICIENCY; FACTOR IX DEFICIENCY; PLASMA THROMBOPLASTIN COMPONENT DEFICIENCY. Identifiers: Orphanet 98879, MedGen C0008533, MeSH D002836, MONDO:0010604, OMIM 306900.

Submission:

Clinical Genetics Laboratory, Skane University Hospital Lund
Classification: Uncertain significance for Hereditary factor IX deficiency disease. Last evaluated: 2026-03-19. Review status: criteria provided, single submitter. Criteria: ACMG Guidelines, 2015. Collection method: clinical testing. Allele origin: germline. Inheritance: X-linked inheritance. Affected: yes.
Comment: F9 (NM_000133.4) c.1265C>A, p.(Thr422Asn) is a nucleotide substitution in exon 8 of 8, resulting in the amino acid change described above. F9 c.1265C>A has not been identified in males in the general population (gnomAD v4.1.0) and has not been previously reported in ClinVar. Full gene sequencing and copy number analysis have been performed for 2 individuals in the current family to exclude other potentially pathogenic variants in F9. While we have reason to believe that F9 c.1265C>A is disease associated, the variant is classified as a variant of uncertain significance according to gene-specific criteria (ClinGen Coagulation Factor Deficiency Expert Panel Specifications to the ACMG/AMP Variant Interpretation Guidelines for F9 Version 2.0.0): PM2_Supporting, PP1_Moderate, PP4_Moderate.

Literature cited by the submitters: PubMed 1873221.